The following is an entry in ClinVar:

ClinVar aggregate classification (germline): Likely benign. Review status: criteria provided, multiple submitters, no conflicts (2 of 4 stars). 2 submissions from 2 submitters: Likely benign (2). Last evaluated 2022-10-18.

Conditions:
Charcot-Marie-Tooth disease dominant intermediate C (CMTDIC). Also called: CHARCOT-MARIE-TOOTH NEUROPATHY, DOMINANT INTERMEDIATE C. Identifiers: Orphanet 100045, MedGen C1842237, MONDO:0012012, OMIM 608323.

Allele frequency attached by ClinVar (database versions not stated): gnomAD exomes below 0.00001; TOPMed below 0.00001.
gnomAD v4.1: 3 of 1,614,224 alleles (0.00019%); highest among the groups gnomAD compares: East Asian, 0.0022%; no homozygotes.

Submissions (2):

Labcorp Genetics (formerly Invitae), Labcorp
Classification: Likely benign for Charcot-Marie-Tooth disease dominant intermediate C. Last evaluated: 2022-10-18. Review status: criteria provided, single submitter. Criteria: Invitae Variant Classification Sherloc (09022015). Collection method: clinical testing. Allele origin: germline.

CeGaT Center for Human Genetics Tuebingen
Classification: Likely benign. Last evaluated: 2022-05-01. Review status: criteria provided, single submitter. Criteria: CeGaT Center For Human Genetics Tuebingen Variant Classification Criteria Version 2. Collection method: clinical testing. Allele origin: germline. Affected: yes. Observed: 1 variant allele.
Comment: YARS1: PM2:Supporting, BP4, BP7

NM_003680.4(YARS1):c.1407G>T (p.Val469=)

Gene: YARS1 (tyrosyl-tRNA synthetase 1; minus strand). Cytogenetic location: 1p35.1.
Variant type: single nucleotide variant.
Coding change: c.1407G>T on transcript NM_003680.4 (MANE Select); coding-DNA position 1407, G replaced by T.
Protein change: p.Val469=; no amino-acid change (valine 469 retained).
Molecular consequence: synonymous variant.
Genome position (GRCh38, 1-based): chr1:32,779,451, C>A on the plus strand (G>T on the coding strand, the complement: YARS1 is on the minus strand). VCF-style: chr1-32779451-C-A. GRCh37 (hg19) VCF-style: chr1-33245052-C-A.
Identifiers: ClinVar variation 704510 (VCV000704510.32), dbSNP rs377419078, ClinGen allele CA20273383.
Genomic context (GRCh38, chr1:32,779,451, plus strand): 5'-CTCGAAGACTTTCTTCTTGGGCTTGAGCTCCTCATCTGGTTGGCCCTTTTCATAGCCCTT[C>A]ACAAACACGTGCTCACCAGGAGCAGAGCCTGCCGGAGGGTCCAGAGGTTCAACCTGGCGG-3'
Protein context (NP_003671.1, residues 459-479): AGSAPGEHVF[Val469=]KGYEKGQPDE